The following is an entry in ClinVar:

NM_000094.4(COL7A1):c.7828del (p.Arg2610fs)

Gene: COL7A1 (collagen type VII alpha 1 chain; minus strand). Cytogenetic location: 3p21.31.
Variant type: Deletion.
Coding change: c.7828del on transcript NM_000094.4 (MANE Select); coding-DNA position 7828, one base deleted (C; older notation c.7828delC).
Protein change: p.Arg2610fs; shifts the reading frame from arginine 2610.
Molecular consequence: frameshift variant.
Genome position (GRCh38, 1-based): chr3:48,568,137, G deleted on the plus strand (C on the coding strand, the reverse complement: COL7A1 is on the minus strand); the first of 2 consecutive G bases (chr3:48,568,137-48,568,138); deleting either gives the same sequence. VCF-style (leftmost placement, unchanged base first): chr3-48568136-CG-C. GRCh37 (hg19) VCF-style: chr3-48605569-CG-C.
Other names: short protein forms R2610fs.
Identifiers: ClinVar variation 1449692 (VCV001449692.6), dbSNP rs2107637340, ClinGen allele CA2573137110.

ClinVar aggregate classification (germline): Pathogenic (1 of 4 stars; one submission).

Submission:

Labcorp Genetics (formerly Invitae), Labcorp
Classification: Pathogenic. Last evaluated: 2024-02-24. Review status: criteria provided, single submitter. Criteria: Invitae Variant Classification Sherloc (09022015). Collection method: clinical testing. Allele origin: germline.
Comment: This sequence change creates a premature translational stop signal (p.Arg2610Glufs*21) in the COL7A1 gene. It is expected to result in an absent or disrupted protein product. Loss-of-function variants in COL7A1 are known to be pathogenic (PMID: 16971478). This variant is not present in population databases (gnomAD no frequency). This variant has not been reported in the literature in individuals affected with COL7A1-related conditions. ClinVar contains an entry for this variant (Variation ID: 1449692). For these reasons, this variant has been classified as Pathogenic.

Literature cited by the submitters: PubMed 16971478.